The following is an entry in ClinVar:

NM_000191.3(HMGCL):c.184A>G (p.Met62Val)

Gene: HMGCL (3-hydroxy-3-methylglutaryl-CoA lyase; minus strand). Cytogenetic location: 1p36.11.
Variant type: single nucleotide variant.
Coding change: c.184A>G on transcript NM_000191.3 (MANE Select); coding-DNA position 184, A replaced by G.
Protein change: p.Met62Val; replaces methionine 62 with valine.
Molecular consequence: missense variant.
Genome position (GRCh38, 1-based): chr1:23,817,544, T>C on the plus strand (A>G on the coding strand, the complement: HMGCL is on the minus strand). VCF-style: chr1-23817544-T-C. GRCh37 (hg19) VCF-style: chr1-24144034-T-C.
Other names: c.184A>G, p.Met62Val (NM_001166059.2); c.184A>G (NM_000191.2); short protein forms M62V.
Identifiers: ClinVar variation 991797 (VCV000991797.5), dbSNP rs373738626, ClinGen allele CA686166.
Genomic context (GRCh38, chr1:23,817,544, plus strand): 5'-CCCACTTAGGAGACACAAAGCTGGTGGTTTCTATAACAGAGAGTCCTGCTTCAGAAAGCA[T>C]GTCTATCAGCTTGATTTTCACTGGAGTAGATACGATATTCTATAGTGGAGAGAGAAACAC-3'
Protein context (NP_000182.2, residues 52-72): STPVKIKLID[Met62Val]LSEAGLSVIE

ClinVar aggregate classification (germline): Uncertain significance. Review status: criteria provided, multiple submitters, no conflicts (2 of 4 stars). 5 submissions from 5 submitters: Uncertain significance (4). 1 of the submissions does not count toward it. Last evaluated 2024-03-01.

Conditions:
Deficiency of hydroxymethylglutaryl-CoA lyase (HMGCLD). Also called: HMG-CoA LYASE DEFICIENCY; HMGCL DEFICIENCY; HYDROXYMETHYLGLUTARIC ACIDURIA; Defect in leucine metabolism; 3-hydroxy-3-methylglutaric aciduria. Identifiers: Orphanet 20, MedGen C1533587, MONDO:0009520, OMIM 246450.

Allele frequency attached by ClinVar (database versions not stated): gnomAD 0.00002; ExAC 0.00004; TOPMed 0.00004; gnomAD exomes 0.00006; ESP Exome Variant Server 0.00008.
gnomAD v4.1: 42 of 1,613,486 alleles (0.0026%); highest among the groups gnomAD compares: Admixed American, 0.01%; no homozygotes.

Submissions (5):

GeneDx
Classification: Uncertain significance. Last evaluated: 2024-03-01. Review status: criteria provided, single submitter. Criteria: GeneDx Variant Classification Process June 2021. Collection method: clinical testing. Allele origin: germline. Affected: yes.
Comment: In silico analysis supports that this missense variant does not alter protein structure/function; Has not been previously published as pathogenic or benign to our knowledge

Genome-Nilou Lab
Classification: Uncertain significance for Deficiency of hydroxymethylglutaryl-CoA lyase. Last evaluated: 2023-04-11. Review status: criteria provided, single submitter. Criteria: ACMG Guidelines, 2015. Collection method: clinical testing. Allele origin: germline. Affected: no.

Fulgent Genetics
Classification: Uncertain significance for Deficiency of hydroxymethylglutaryl-CoA lyase. Last evaluated: 2022-05-02. Review status: criteria provided, single submitter. Criteria: ACMG Guidelines, 2015. Collection method: clinical testing. Allele origin: unknown.

Labcorp Genetics (formerly Invitae), Labcorp
Classification: Uncertain significance for Deficiency of hydroxymethylglutaryl-CoA lyase. Last evaluated: 2021-09-01. Review status: criteria provided, single submitter. Criteria: Invitae Variant Classification Sherloc (09022015). Collection method: clinical testing. Allele origin: germline.
Comment: This sequence change replaces methionine with valine at codon 62 of the HMGCL protein (p.Met62Val). The methionine residue is moderately conserved and there is a small physicochemical difference between methionine and valine. This variant is present in population databases (rs373738626, ExAC 0.009%). This variant has not been reported in the literature in individuals affected with HMGCL-related conditions. Algorithms developed to predict the effect of missense changes on protein structure and function (SIFT, PolyPhen-2, Align-GVGD) all suggest that this variant is likely to be tolerated. In summary, the available evidence is currently insufficient to determine the role of this variant in disease. Therefore, it has been classified as a Variant of Uncertain Significance.

Natera, Inc.
Classification: Uncertain significance for HMG-CoA lyase deficiency. Last evaluated: 2020-08-28. Review status: no assertion criteria provided. Collection method: clinical testing. Allele origin: germline. Not counted in ClinVar's aggregate classification.